The following is an entry in ClinVar:

ClinVar aggregate classification (germline): Uncertain significance. Review status: criteria provided, multiple submitters, no conflicts (2 of 4 stars). 2 submissions from 2 submitters: Uncertain significance (2). Last evaluated 2024-06-20.

Conditions:
Inborn genetic diseases. Identifiers: MedGen C0950123, MeSH D030342.
Congenital myopathy with internal nuclei and atypical cores. Also called: Myopathy, centronuclear, 4. Identifiers: Orphanet 319160, MedGen C4707232, MONDO:0013890, OMIM 614807.

gnomAD v4.1: 19 of 1,611,974 alleles (0.0012%); highest among the groups gnomAD compares: Admixed American, 0.005%; no homozygotes.

Submissions (2):

Labcorp Genetics (formerly Invitae), Labcorp
Classification: Uncertain significance for Congenital myopathy with internal nuclei and atypical cores. Last evaluated: 2024-06-20. Review status: criteria provided, single submitter. Criteria: Invitae Variant Classification Sherloc (09022015). Collection method: clinical testing. Allele origin: germline.
Comment: This sequence change replaces alanine, which is neutral and non-polar, with valine, which is neutral and non-polar, at codon 227 of the CCDC78 protein (p.Ala227Val). This variant is present in population databases (rs755636861, gnomAD 0.02%). This variant has not been reported in the literature in individuals affected with CCDC78-related conditions. Advanced modeling of protein sequence and biophysical properties (such as structural, functional, and spatial information, amino acid conservation, physicochemical variation, residue mobility, and thermodynamic stability) performed at Invitae indicates that this missense variant is not expected to disrupt CCDC78 protein function with a negative predictive value of 80%. In summary, the available evidence is currently insufficient to determine the role of this variant in disease. Therefore, it has been classified as a Variant of Uncertain Significance.

Ambry Genetics
Classification: Uncertain significance for Inborn genetic diseases. Last evaluated: 2024-06-11. Review status: criteria provided, single submitter. Criteria: Ambry Variant Classification Scheme 2023. Collection method: clinical testing. Allele origin: germline.

NM_001378030.1(CCDC78):c.680C>T (p.Ala227Val)

Gene: CCDC78 (coiled-coil domain containing 78; minus strand). Cytogenetic location: 16p13.3.
Variant type: single nucleotide variant.
Coding change: c.680C>T on transcript NM_001378030.1 (MANE Select); coding-DNA position 680, C replaced by T.
Protein change: p.Ala227Val; replaces alanine 227 with valine.
Molecular consequence: missense variant. On other transcripts: non-coding transcript variant (5), intron variant (1).
Genome position (GRCh38, 1-based): chr16:724,766, G>A on the plus strand (C>T on the coding strand, the complement: CCDC78 is on the minus strand). VCF-style: chr16-724766-G-A. GRCh37 (hg19) VCF-style: chr16-774766-G-A.
Other names: c.680C>T, p.Ala227Val (NM_001031737.3, NM_001378031.1); c.199-257C>T (NM_001378033.1); short protein forms A227V.
Identifiers: ClinVar variation 3264306 (VCV003264306.3).